The following is an entry in ClinVar:

ClinVar aggregate classification (germline): Uncertain significance (1 of 4 stars; one submission).

Submission:

GeneDx
Classification: Uncertain significance. Last evaluated: 2023-07-13. Review status: criteria provided, single submitter. Criteria: GeneDx Variant Classification Process June 2021. Collection method: clinical testing. Allele origin: germline. Affected: yes.
Comment: Not observed at significant frequency in large population cohorts (gnomAD); In silico analysis supports that this missense variant does not alter protein structure/function; Has not been previously published as pathogenic or benign to our knowledge

NM_001195263.2(PDZD7):c.102C>A (p.Asp34Glu)

Gene: PDZD7 (PDZ domain containing 7; minus strand). Cytogenetic location: 10q24.31.
Variant type: single nucleotide variant.
Coding change: c.102C>A on transcript NM_001195263.2 (MANE Select); coding-DNA position 102, C replaced by A.
Protein change: p.Asp34Glu; replaces aspartic acid 34 with glutamic acid.
Molecular consequence: missense variant.
Genome position (GRCh38, 1-based): chr10:101,030,118, G>T on the plus strand (C>A on the coding strand, the complement: PDZD7 is on the minus strand). VCF-style: chr10-101030118-G-T. GRCh37 (hg19) VCF-style: chr10-102789875-G-T.
Other names: c.102C>A, p.Asp34Glu (NM_001351044.2, NM_024895.5); short protein forms D34E.
Identifiers: ClinVar variation 3360951 (VCV003360951.1).